The following is an entry in ClinVar:

NM_007294.4(BRCA1):c.5074+10G>C

Gene: BRCA1 (BRCA1 DNA repair associated; minus strand). Cytogenetic location: 17q21.31.
Variant type: single nucleotide variant.
Coding change: c.5074+10G>C on transcript NM_007294.4 (MANE Select); 10 bases into the intron after coding-DNA position 5074, G replaced by C.
Molecular consequence: intron variant.
Genome position (GRCh38, 1-based): chr17:43,067,598, C>G on the plus strand (G>C on the coding strand, the complement: BRCA1 is on the minus strand). VCF-style: chr17-43067598-C-G. GRCh37 (hg19) VCF-style: chr17-41219615-C-G.
Other names: c.5068+10G>C (NM_001407627.1, NM_001407861.1, NM_001407635.1 and 14 more transcripts); c.5071+10G>C (NM_001407614.1, NM_001407626.1, NM_001407617.1 and 17 more transcripts); c.5137+10G>C (NM_001407587.1, NM_001407585.1, NM_007300.4 and 1 more transcripts); c.1525+10G>C (NM_001408494.1); c.1639+10G>C (NM_001408444.1, NM_001408438.1, NM_001408432.1 and 10 more transcripts); c.1642+10G>C (NM_001408430.1, NM_001408427.1, NM_001408431.1 and 4 more transcripts); c.4945+10G>C (NM_001407682.1, NM_001407689.1, NM_001407681.1 and 6 more transcripts); c.4948+10G>C (NM_001407676.1, NM_001407863.1, NM_001407679.1 and 11 more transcripts); and 71 more.
Identifiers: ClinVar variation 868998 (VCV000868998.20), dbSNP rs780970459, ClinGen allele CA916080142.

ClinVar aggregate classification (germline): Likely benign (1 of 4 stars; one submission).

Conditions:
Hereditary breast ovarian cancer syndrome. Also called: Hereditary breast and ovarian cancer; Hereditary breast and ovarian cancer syndrome (HBOC); Breast and ovarian cancer; Hereditary breast and/or ovarian cancer syndrome; BRCA1- and BRCA2-Associated Hereditary Breast and Ovarian Cancer; Hereditary breast and ovarian cancer syndrome. Identifiers: Orphanet 145, MedGen C0677776, MeSH D061325, MONDO:0003582. Disease mechanism: loss of function.

gnomAD v4.1: 1 of 1,592,818 alleles (0.000063%); highest among the groups gnomAD compares: East Asian, 0.0022%; no homozygotes.

Submissions (2):

Labcorp Genetics (formerly Invitae), Labcorp
Classification: Likely benign for Hereditary breast ovarian cancer syndrome. Last evaluated: 2024-03-08. Review status: criteria provided, single submitter. Criteria: Invitae Variant Classification Sherloc (09022015). Collection method: clinical testing. Allele origin: germline.

Brotman Baty Institute, University of Washington
No classification provided (evidence only). Condition: Breast-ovarian cancer, familial 1. Review status: no classification provided. Collection method: in vitro. Allele origin: not applicable. Functional consequence: functionally_normal. Not counted in ClinVar's aggregate classification.
ClinVar note: "not provided" was previously submitted as the classification for the variant. However, the classification appeared to be based only on an observation of functional data so it was converted to no classification on 2025-07-30.